The following is an entry in ClinVar:

ClinVar aggregate classification (germline): Benign (1 of 4 stars; one submission).

Conditions:
Hypercalcemia, infantile, 1 (HCINF1). Identifiers: Orphanet 300547, MedGen CN031131, MONDO:0020739, OMIM 143880.

Allele frequency attached by ClinVar (database versions not stated): gnomAD 0.02867 and 0.02662; 1000 Genomes Project 0.02656; TOPMed 0.03065; 1000 Genomes Project 30x 0.03107.

Submission:

Illumina Laboratory Services, Illumina
Classification: Benign for Hypercalcemia, infantile, 1. Last evaluated: 2018-01-13. Review status: criteria provided, single submitter. Criteria: ICSL Variant Classification Criteria 13 December 2019. Collection method: clinical testing. Allele origin: germline.
Comment: This variant was observed in the ICSL laboratory as part of a predisposition screen in an ostensibly healthy population. It had not been previously curated by ICSL or reported in the Human Gene Mutation Database (HGMD: prior to June 1st, 2018), and was therefore a candidate for classification through an automated scoring system. Utilizing variant allele frequency, disease prevalence and penetrance estimates, and inheritance mode, an automated score was calculated to assess if this variant is too frequent to cause the disease. Based on the score and internal cut-off values, a variant classified as benign is not then subjected to further curation. The score for this variant resulted in a classification of benign for this disease.

NM_000782.5(CYP24A1):c.*438C>T

Gene: CYP24A1 (cytochrome P450 family 24 subfamily A member 1; minus strand). Cytogenetic location: 20q13.2.
Variant type: single nucleotide variant.
Coding change: c.*438C>T on transcript NM_000782.5 (MANE Select); 438 bases downstream of the stop codon, C replaced by T.
Molecular consequence: 3 prime UTR variant.
Genome position (GRCh38, 1-based): chr20:54,154,334, G>A on the plus strand (C>T on the coding strand, the complement: CYP24A1 is on the minus strand). VCF-style: chr20-54154334-G-A. GRCh37 (hg19) VCF-style: chr20-52770873-G-A.
Other names: c.*438C>T (NM_001128915.2).
Identifiers: ClinVar variation 338802 (VCV000338802.6), dbSNP rs16999060, ClinGen allele CA10652648.